The following is an entry in ClinVar:

ClinVar aggregate classification (germline): Uncertain significance. Review status: criteria provided, multiple submitters, no conflicts (2 of 4 stars). 2 submissions from 2 submitters: Uncertain significance (2). Last evaluated 2025-06-06.

Conditions:
Inborn genetic diseases. Identifiers: MedGen C0950123, MeSH D030342.
Aicardi-Goutieres syndrome 2. Identifiers: Orphanet 51, MedGen C3489724, MONDO:0012429, OMIM 610181.

Allele frequency attached by ClinVar (database versions not stated): gnomAD exomes below 0.00001; ExAC 0.00001; 1000 Genomes Project 0.00020; 1000 Genomes Project 30x 0.00031.
gnomAD v4.1: 3 of 1,614,052 alleles (0.00019%); highest among the groups gnomAD compares: African/African-American, 0.004%; no homozygotes.

Submissions (2):

Ambry Genetics
Classification: Uncertain significance for Inborn genetic diseases. Last evaluated: 2025-06-06. Review status: criteria provided, single submitter. Criteria: Ambry Variant Classification Scheme 2023. Collection method: clinical testing. Allele origin: germline.

Labcorp Genetics (formerly Invitae), Labcorp
Classification: Uncertain significance for Aicardi-Goutieres syndrome 2. Last evaluated: 2021-09-21. Review status: criteria provided, single submitter. Criteria: Invitae Variant Classification Sherloc (09022015). Collection method: clinical testing. Allele origin: germline.
Comment: This variant is present in population databases (rs569343532, ExAC 0.01%). In summary, the available evidence is currently insufficient to determine the role of this variant in disease. Therefore, it has been classified as a Variant of Uncertain Significance. Algorithms developed to predict the effect of missense changes on protein structure and function output the following: SIFT: "Tolerated"; PolyPhen-2: "Benign"; Align-GVGD: "Class C0". The valine amino acid residue is found in multiple mammalian species, which suggests that this missense change does not adversely affect protein function. This variant has not been reported in the literature in individuals affected with RNASEH2B-related conditions. This sequence change replaces isoleucine with valine at codon 126 of the RNASEH2B protein (p.Ile126Val). The isoleucine residue is weakly conserved and there is a small physicochemical difference between isoleucine and valine.

NM_024570.4(RNASEH2B):c.376A>G (p.Ile126Val)

Gene: RNASEH2B (ribonuclease H2 subunit B; plus strand). Cytogenetic location: 13q14.3.
Variant type: single nucleotide variant.
Coding change: c.376A>G on transcript NM_024570.4 (MANE Select); coding-DNA position 376, A replaced by G.
Protein change: p.Ile126Val; replaces isoleucine 126 with valine.
Molecular consequence: missense variant.
Genome position (GRCh38, 1-based): chr13:50,934,939, A>G. VCF-style: chr13-50934939-A-G. GRCh37 (hg19) VCF-style: chr13-51509075-A-G.
Other names: c.376A>G, p.Ile126Val (NM_001142279.2); c.376A>G (NM_024570.3); short protein forms I126V.
Identifiers: ClinVar variation 1416269 (VCV001416269.7), dbSNP rs569343532, ClinGen allele CA6985554.